The following is an entry in ClinVar:

NM_139076.3(ABRAXAS1):c.1188G>C (p.Lys396Asn)

Gene: ABRAXAS1 (abraxas 1, BRCA1 A complex subunit; minus strand). Cytogenetic location: 4q21.23.
Variant type: single nucleotide variant.
Coding change: c.1188G>C on transcript NM_139076.3 (MANE Select); coding-DNA position 1188, G replaced by C.
Protein change: p.Lys396Asn; replaces lysine 396 with asparagine.
Molecular consequence: missense variant.
Genome position (GRCh38, 1-based): chr4:83,462,511, C>G on the plus strand (G>C on the coding strand, the complement: ABRAXAS1 is on the minus strand). VCF-style: chr4-83462511-C-G. GRCh37 (hg19) VCF-style: chr4-84383664-C-G.
Other names: c.861G>C, p.Lys287Asn (NM_001345962.2); short protein forms K287N, K396N.
Identifiers: ClinVar variation 4636466 (VCV004636466.1).
Genomic context (GRCh38, chr4:83,462,511, plus strand): 5'-CTTGTAAGGTTAAAAGGATCAAAATGTAGGAGACCGTGAATATTCACCAAAACCCTTCAT[C>G]TTTTCAATTTCTTCATCTGTTTCTGGGCTGCTCATTTTGGATGCTTTATCTTGGTTACTA-3'
Protein context (NP_620775.2, residues 386-406): SSPETDEEIE[Lys396Asn]MKGFGEYSRS

ClinVar aggregate classification (germline): Uncertain significance (1 of 4 stars; one submission).

Submission:

Ambry Genetics
Classification: Uncertain significance. Last evaluated: 2025-09-28. Review status: criteria provided, single submitter. Criteria: Ambry Variant Classification Scheme 2023. Collection method: clinical testing. Allele origin: germline.
Comment: The p.K396N variant (also known as c.1188G>C), located in coding exon 9 of the FAM175A gene, results from a G to C substitution at nucleotide position 1188. The lysine at codon 396 is replaced by asparagine, an amino acid with similar properties. This amino acid position is conserved. In addition, this alteration is predicted to be tolerated by in silico analysis. Based on the available evidence, the clinical significance of this variant remains unclear.